The following is an entry in ClinVar:

ClinVar aggregate classification (germline): Conflicting classifications of pathogenicity. Review status: criteria provided, conflicting classifications (1 of 4 stars). 6 submissions from 6 submitters: Uncertain significance (5); Benign (1). Last evaluated 2026-01-13.

Conditions:
Hereditary papillary renal cell carcinoma. Identifiers: Orphanet 47044, MedGen C0879257, MONDO:0003789.
Autosomal recessive nonsyndromic hearing loss 97. Also called: Deafness, autosomal recessive 97. Identifiers: Orphanet 90636, MedGen C4084709, MONDO:0014739, OMIM 616705.
Renal cell carcinoma. Identifiers: Orphanet 217071, MedGen C0007134, MeSH D002292, MONDO:0005086, HP:0005584.
Hereditary cancer-predisposing syndrome. Also called: Tumor predisposition; Hereditary Cancer Syndrome; Neoplastic Syndromes, Hereditary; Hereditary neoplastic syndrome. Identifiers: Orphanet 140162, MedGen C0027672, MeSH D009386, MONDO:0015356.

Allele frequency attached by ClinVar (database versions not stated): gnomAD 0.00001; TOPMed 0.00001.
gnomAD v4.1: 42 of 1,613,786 alleles (0.0026%); highest among the groups gnomAD compares: Non-Finnish European, 0.0034%; no homozygotes.

Submissions (6):

Labcorp Genetics (formerly Invitae), Labcorp
Classification: Uncertain significance for Renal cell carcinoma. Last evaluated: 2026-01-13. Review status: criteria provided, single submitter. Criteria: Invitae Variant Classification Sherloc (09022015). Collection method: clinical testing. Allele origin: germline.
Comment: This sequence change replaces methionine, which is neutral and non-polar, with isoleucine, which is neutral and non-polar, at codon 867 of the MET protein (p.Met867Ile). This variant is present in population databases (rs747989932, gnomAD 0.004%). This variant has not been reported in the literature in individuals affected with MET-related conditions. ClinVar contains an entry for this variant (Variation ID: 485733). An algorithm developed to predict the effect of missense changes on protein structure and function (PolyPhen-2) suggests that this variant is likely to be tolerated. In summary, the available evidence is currently insufficient to determine the role of this variant in disease. Therefore, it has been classified as a Variant of Uncertain Significance.

Molecular Pathology, Peter Maccallum Cancer Centre
Classification: Uncertain significance for Hereditary papillary renal cell carcinoma. Last evaluated: 2024-09-19. Review status: criteria provided, single submitter. Criteria: ACMG Guidelines, 2015. Collection method: clinical testing. Allele origin: germline. Inheritance: Autosomal dominant inheritance.

Ambry Genetics
Classification: Benign for Hereditary cancer-predisposing syndrome. Last evaluated: 2024-08-21. Review status: criteria provided, single submitter. Criteria: Ambry Variant Classification Scheme 2023. Collection method: clinical testing. Allele origin: germline.

GeneDx
Classification: Uncertain significance. Last evaluated: 2024-06-27. Review status: criteria provided, single submitter. Criteria: GeneDx Variant Classification Process June 2021. Collection method: clinical testing. Allele origin: germline.
Comment: Not observed at significant frequency in large population cohorts (gnomAD); In silico analysis indicates that this missense variant does not alter protein structure/function; Has not been previously published as pathogenic or benign to our knowledge

Baylor Genetics
Classification: Uncertain significance for Autosomal recessive nonsyndromic hearing loss 97. Last evaluated: 2024-02-08. Review status: criteria provided, single submitter. Criteria: ACMG Guidelines, 2015. Collection method: clinical testing. Allele origin: unknown.

Blueprint Genetics
Classification: Uncertain significance. Last evaluated: 2022-07-07. Review status: criteria provided, single submitter. Criteria: ACMG Guidelines, 2015. Collection method: clinical testing. Allele origin: germline.

NM_000245.4(MET):c.2547G>C (p.Met849Ile)

Gene: MET (MET proto-oncogene, receptor tyrosine kinase; plus strand). Cytogenetic location: 7q31.2.
Variant type: single nucleotide variant.
Coding change: c.2547G>C on transcript NM_000245.4 (MANE Select); coding-DNA position 2547, G replaced by C.
Protein change: p.Met849Ile; replaces methionine 849 with isoleucine.
Molecular consequence: missense variant.
Genome position (GRCh38, 1-based): chr7:116,763,232, G>C. VCF-style: chr7-116763232-G-C. GRCh37 (hg19) VCF-style: chr7-116403286-G-C.
Other names: c.2547G>C (NM_000245.2); c.2601G>C, p.Met867Ile (NM_001127500.3); c.2547G>C, p.Met849Ile (NM_001324401.3); c.1257G>C, p.Met419Ile (NM_001324402.2); short protein forms M867I, M419I, M849I.
Identifiers: ClinVar variation 485733 (VCV000485733.20), dbSNP rs747989932, ClinGen allele CA4448500.